The following is an entry in ClinVar:

NM_032608.7(MYO18B):c.156G>A (p.Ala52=)

Gene: MYO18B (myosin XVIIIB; plus strand). Cytogenetic location: 22q12.1.
Variant type: single nucleotide variant.
Coding change: c.156G>A on transcript NM_032608.7 (MANE Select); coding-DNA position 156, G replaced by A.
Protein change: p.Ala52=; no amino-acid change (alanine 52 retained).
Molecular consequence: synonymous variant.
Genome position (GRCh38, 1-based): chr22:25,763,347, G>A. VCF-style: chr22-25763347-G-A. GRCh37 (hg19) VCF-style: chr22-26159314-G-A.
Other names: c.156G>A (NM_032608.6); c.156G>A, p.Ala52= (NM_001318245.2).
Identifiers: ClinVar variation 1657538 (VCV001657538.9), dbSNP rs750611108, ClinGen allele CA10159503.

ClinVar aggregate classification (germline): Likely benign. Review status: criteria provided, single submitter (1 of 4 stars). 2 submissions from 2 submitters: Likely benign (1). 1 of the submissions does not count toward it. Last evaluated 2025-09-10.

Conditions:
MYO18B-related disorder. Also called: MYO18B-related condition.

Allele frequency attached by ClinVar (database versions not stated): ExAC 0.00002; gnomAD exomes 0.00002 and 0.00006; gnomAD 0.00004; TOPMed 0.00004.
gnomAD v4.1: 92 of 1,612,750 alleles (0.0057%); highest among the groups gnomAD compares: Non-Finnish European, 0.0077%; 1 homozygote.

Submissions (2):

Labcorp Genetics (formerly Invitae), Labcorp
Classification: Likely benign. Last evaluated: 2025-09-10. Review status: criteria provided, single submitter. Criteria: Invitae Variant Classification Sherloc (09022015). Collection method: clinical testing. Allele origin: germline.

PreventionGenetics, part of Exact Sciences
Classification: Likely benign for MYO18B-related condition. Last evaluated: 2024-09-24. Review status: no assertion criteria provided. Collection method: clinical testing. Allele origin: germline. Not counted in ClinVar's aggregate classification.
Comment: This variant is classified as likely benign based on ACMG/AMP sequence variant interpretation guidelines (Richards et al. 2015 PMID: 25741868, with internal and published modifications).